The following is an entry in ClinVar:

ClinVar aggregate classification (germline): Conflicting classifications of pathogenicity. Review status: criteria provided, conflicting classifications (1 of 4 stars). 3 submissions from 3 submitters: Uncertain significance (2); Benign (1). Last evaluated 2023-08-10.

Conditions:
Intellectual disability. Also called: intellectual disabilities; Intellectual developmental disorder; Intellectual functioning disability. Identifiers: MedGen C3714756, MeSH D008607, MONDO:0001071, HP:0001249.
GLI3-related disorder. Also called: GLI3-related disorders; GLI3-related condition. Identifiers: MedGen CN239292.
Pallister-Hall syndrome (PHS). Also called: GLI3-Related Pallister-Hall Syndrome; HYPOTHALAMIC HAMARTOBLASTOMA, HYPOPITUITARISM, IMPERFORATE ANUS, AND POSTAXIAL POLYDACTYLY. Identifiers: Orphanet 672, MedGen C0265220, MONDO:0007804, OMIM 146510.
Greig cephalopolysyndactyly syndrome (GCPS). Also called: Greig syndrome; GLI3-Related Greig Cephalopolysyndactyly Syndrome; POLYSYNDACTYLY WITH PECULIAR SKULL SHAPE. Identifiers: Orphanet 380, MedGen C0265306, MONDO:0008287, OMIM 175700.

gnomAD v4.1: 65 of 1,613,826 alleles (0.004%); highest among the groups gnomAD compares: Non-Finnish European, 0.0053%; no homozygotes.

Submissions (3):

Labcorp Genetics (formerly Invitae), Labcorp
Classification: Benign for Pallister-Hall syndrome; Greig cephalopolysyndactyly syndrome. Last evaluated: 2023-08-10. Review status: criteria provided, single submitter. Criteria: Invitae Variant Classification Sherloc (09022015). Collection method: clinical testing. Allele origin: germline.

PreventionGenetics, part of Exact Sciences
Classification: Uncertain significance for GLI3-related condition. Last evaluated: 2022-10-26. Review status: criteria provided, single submitter. Criteria: ACMG Guidelines, 2015. Collection method: clinical testing. Allele origin: germline.
Comment: The GLI3 c.4392C>A variant is predicted to result in the amino acid substitution p.Asp1464Glu. To our knowledge, this variant has not been reported in the literature. This variant is reported in 0.0015% of alleles in individuals of European (Non-Finnish) descent in gnomAD. At this time, the clinical significance of this variant is uncertain due to the absence of conclusive functional and genetic evidence.

Cambridge Genomics Laboratory, East Genomic Laboratory Hub, NHS Genomic Medicine Service
Classification: Uncertain significance for Intellectual disability. Last evaluated: 2020-07-13. Review status: criteria provided, single submitter. Criteria: ACGS Best Practice Guidelines for Variant Classification in Rare Disease 2020. Collection method: clinical testing. Allele origin: germline. Affected: yes. Observed: 1 variant allele.

NM_000168.6(GLI3):c.4392C>A (p.Asp1464Glu)

Gene: GLI3 (GLI family zinc finger 3; minus strand). Cytogenetic location: 7p14.1.
Variant type: single nucleotide variant.
Coding change: c.4392C>A on transcript NM_000168.6 (MANE Select); coding-DNA position 4392, C replaced by A.
Protein change: p.Asp1464Glu; replaces aspartic acid 1464 with glutamic acid.
Molecular consequence: missense variant.
Genome position (GRCh38, 1-based): chr7:41,964,681, G>T on the plus strand (C>A on the coding strand, the complement: GLI3 is on the minus strand). VCF-style: chr7-41964681-G-T. GRCh37 (hg19) VCF-style: chr7-42004279-G-T.
Other names: c.4392C>A (NM_000168.5); short protein forms D1464E.
Identifiers: ClinVar variation 1974997 (VCV001974997.7), dbSNP rs566409623, ClinGen allele CA367315125.